The following is an entry in ClinVar:

ClinVar aggregate classification (germline): Uncertain significance (1 of 4 stars; one submission).

Conditions:
Acromesomelic dysplasia 1, Maroteaux type (AMD1). Also called: ACROMESOMELIC DYSPLASIA 1; ST. HELENA DYSPLASIA. Identifiers: Orphanet 40, MedGen C1864356, MONDO:0011275, OMIM 602875.
Tall stature-scoliosis-macrodactyly of the great toes syndrome. Also called: Epiphyseal chondrodysplasia, miura type. Identifiers: Orphanet 329191, MedGen C4014690, MONDO:0014401, OMIM 615923.

Allele frequency attached by ClinVar (database versions not stated): gnomAD 0.00001; gnomAD exomes 0.00001 and 0.00002; TOPMed 0.00001; ExAC 0.00002.
gnomAD v4.1: 35 of 1,614,082 alleles (0.0022%); highest among the groups gnomAD compares: East Asian, 0.0045%; no homozygotes.

Submission:

Labcorp Genetics (formerly Invitae), Labcorp
Classification: Uncertain significance for Tall stature-scoliosis-macrodactyly of the great toes syndrome; Acromesomelic dysplasia 1, Maroteaux type. Last evaluated: 2025-03-22. Review status: criteria provided, single submitter. Criteria: Invitae Variant Classification Sherloc (09022015). Collection method: clinical testing. Allele origin: germline.
Comment: This sequence change replaces isoleucine, which is neutral and non-polar, with threonine, which is neutral and polar, at codon 717 of the NPR2 protein (p.Ile717Thr). This variant is present in population databases (rs760946888, gnomAD 0.01%). This variant has not been reported in the literature in individuals affected with NPR2-related conditions. ClinVar contains an entry for this variant (Variation ID: 1006076). Invitae Evidence Modeling of protein sequence and biophysical properties (such as structural, functional, and spatial information, amino acid conservation, physicochemical variation, residue mobility, and thermodynamic stability) indicates that this missense variant is not expected to disrupt NPR2 protein function with a negative predictive value of 80%. In summary, the available evidence is currently insufficient to determine the role of this variant in disease. Therefore, it has been classified as a Variant of Uncertain Significance.

NM_003995.4(NPR2):c.2150T>C (p.Ile717Thr)

Gene: NPR2 (natriuretic peptide receptor 2; plus strand). Cytogenetic location: 9p13.3.
Variant type: single nucleotide variant.
Coding change: c.2150T>C on transcript NM_003995.4 (MANE Select); coding-DNA position 2150, T replaced by C.
Protein change: p.Ile717Thr; replaces isoleucine 717 with threonine.
Molecular consequence: missense variant.
Genome position (GRCh38, 1-based): chr9:35,805,932, T>C. VCF-style: chr9-35805932-T-C. GRCh37 (hg19) VCF-style: chr9-35805929-T-C.
Other names: c.2159T>C, p.Ile720Thr (NM_001378923.1); short protein forms I717T, I720T.
Identifiers: ClinVar variation 1006076 (VCV001006076.9), dbSNP rs760946888, ClinGen allele CA5051904.